The following is an entry in ClinVar:

ClinVar aggregate classification (germline): Uncertain significance (1 of 4 stars; one submission).

Conditions:
CITED2-related disorder. Also called: CITED2-related condition.

Allele frequency attached by ClinVar (database versions not stated): gnomAD exomes 0.00001.
gnomAD v4.1: 11 of 1,483,510 alleles (0.00074%); highest among the groups gnomAD compares: Non-Finnish European, 0.00099%; no homozygotes.

Submission:

PreventionGenetics, part of Exact Sciences
Classification: Uncertain significance for CITED2-related condition. Last evaluated: 2023-07-09. Review status: criteria provided, single submitter. Criteria: ACMG Guidelines, 2015. Collection method: clinical testing. Allele origin: germline.
Comment: The CITED2 c.7+1G>C variant is predicted to disrupt the GT donor site and interfere with normal splicing. To our knowledge, this variant has not been reported in the literature or in a large population database, indicating this variant is rare. Although we suspect that this variant may be pathogenic, at this time, the clinical significance of this variant is uncertain due to the absence of conclusive functional and genetic evidence.

NM_006079.5(CITED2):c.-8-179G>C

Genes: CITED2 (Cbp/p300 interacting transactivator with Glu/Asp rich carboxy-terminal domain 2; minus strand), LOC129997309 (ATAC-STARR-seq lymphoblastoid silent region 17610; plus strand). Cytogenetic location: 6q24.1.
Variant type: single nucleotide variant.
Coding change: c.-8-179G>C on transcript NM_006079.5 (MANE Select); 179 bases into the intron before 8 bases upstream of the start codon, G replaced by C.
Molecular consequence: intron variant. On other transcripts: splice donor variant (1).
Genome position (GRCh38, 1-based): chr6:139,374,131, C>G on the plus strand (G>C on the coding strand, the complement: CITED2 is on the minus strand). VCF-style: chr6-139374131-C-G. GRCh37 (hg19) VCF-style: chr6-139695268-C-G.
Other names: c.-9+133G>C (NM_001168388.3); c.7+1G>C (NM_001168389.3).
Identifiers: ClinVar variation 2631483 (VCV002631483.1), dbSNP rs1778327009, ClinGen allele CA365879081.